The following is an entry in ClinVar:

ClinVar aggregate classification (germline): Conflicting classifications of pathogenicity. Review status: criteria provided, conflicting classifications (1 of 4 stars). 2 submissions from 2 submitters: Pathogenic (1); Uncertain significance (1). Last evaluated 2026-01-08.

Conditions:
X-linked Alport syndrome (ATS1). Also called: COL4A5-Related Nephropathy; NEPHROPATHY AND DEAFNESS, X-LINKED. Identifiers: Orphanet 63, Orphanet 88917, MedGen C4746986, MONDO:0010520, OMIM 301050.

Submissions (2):

Labcorp Genetics (formerly Invitae), Labcorp
Classification: Pathogenic. Last evaluated: 2026-01-08. Review status: criteria provided, single submitter. Criteria: Invitae Variant Classification Sherloc (09022015). Collection method: clinical testing. Allele origin: germline.
Comment: This sequence change replaces arginine, which is basic and polar, with proline, which is neutral and non-polar, at codon 1466 of the COL4A5 protein (p.Arg1466Pro). Information on the frequency of this variant in the gnomAD database is not available, as this variant may be reported differently in the database. This missense change has been observed in individuals with clinical features of Alport syndrome (PMID: 28780565; internal data). It has also been observed to segregate with disease in related individuals. This variant is also known as c.4415_4416delinsCT (p.Arg1472Pro). ClinVar contains an entry for this variant (Variation ID: 1482498). An algorithm developed to predict the effect of missense changes on protein structure and function (PolyPhen-2) suggests that this variant is likely to be disruptive. For these reasons, this variant has been classified as Pathogenic.

Fulgent Genetics
Classification: Uncertain significance for X-linked Alport syndrome. Last evaluated: 2024-01-18. Review status: criteria provided, single submitter. Criteria: ACMG Guidelines, 2015. Collection method: clinical testing. Allele origin: germline.

Literature cited by the submitters: PubMed 28780565 (cited by Labcorp Genetics (formerly Invitae), Labcorp).

NM_033380.3(COL4A5):c.4415_4416delinsCT (p.Arg1472Pro)

Gene: COL4A5 (collagen type IV alpha 5 chain; plus strand). Cytogenetic location: Xq22.3.
Variant type: Indel.
Coding change: c.4415_4416delinsCT on transcript NM_033380.3 (MANE Select); coding-DNA positions 4415 to 4416, GC replaced by CT.
Protein change: p.Arg1472Pro; replaces arginine 1472 with proline.
Molecular consequence: missense variant.
Genome position (GRCh38, 1-based): chrX:108,687,581-108,687,582, GC replaced by CT. VCF-style: chrX-108687581-GC-CT. GRCh37 (hg19) VCF-style: chrX-107930811-GC-CT.
Other names: c.4397_4398delinsCT, p.Arg1466Pro (NM_000495.5); short protein forms R1472P, R1466P.
Identifiers: ClinVar variation 1482498 (VCV001482498.9), dbSNP rs2147991408, ClinGen allele CA2573159110.